The following is an entry in ClinVar:

NM_006659.4(TUBGCP2):c.2025-60_2025-4del

Gene: TUBGCP2 (tubulin gamma complex component 2; minus strand). Cytogenetic location: 10q26.3.
Variant type: Deletion.
Coding change: c.2025-60_2025-4del on transcript NM_006659.4 (MANE Select); 60 bases into the intron before coding-DNA position 2025 through 4 bases into the intron before coding-DNA position 2025, 57 bases deleted.
Molecular consequence: intron variant.
Genome position (GRCh38, 1-based): chr10:133,284,006-133,284,062, 57 bases deleted. GRCh37 (hg19): chr10:135,097,546-135,097,602.
Other names: c.1635-60_1635-4del (NM_001256618.2); c.2109-60_2109-4del (NM_001256617.2).
Identifiers: ClinVar variation 2641010 (VCV002641010.24), dbSNP rs1847063832, ClinGen allele CA934167689.

ClinVar aggregate classification (germline): Uncertain significance (1 of 4 stars; one submission).

Submission:

CeGaT Center for Human Genetics Tuebingen
Classification: Uncertain significance. Last evaluated: 2023-08-01. Review status: criteria provided, single submitter. Criteria: CeGaT Center For Human Genetics Tuebingen Variant Classification Criteria Version 2. Collection method: clinical testing. Allele origin: germline. Affected: yes. Observed: 1 variant allele.
Comment: TUBGCP2: PM2:Supporting, PP3